The following is an entry in ClinVar:

ClinVar aggregate classification (germline): Uncertain significance (1 of 4 stars; one submission).

Submission:

Labcorp Genetics (formerly Invitae), Labcorp
Classification: Uncertain significance. Last evaluated: 2025-12-18. Review status: criteria provided, single submitter. Criteria: Invitae Variant Classification Sherloc (09022015). Collection method: clinical testing. Allele origin: germline.
Comment: This sequence change replaces isoleucine, which is neutral and non-polar, with threonine, which is neutral and polar, at codon 754 of the MSH3 protein (p.Ile754Thr). This variant is not present in population databases (gnomAD no frequency). This variant has not been reported in the literature in individuals affected with MSH3-related conditions. An algorithm developed to predict the effect of missense changes on protein structure and function (PolyPhen-2) suggests that this variant is likely to be disruptive. In summary, the available evidence is currently insufficient to determine the role of this variant in disease. Therefore, it has been classified as a Variant of Uncertain Significance.

NM_002439.5(MSH3):c.2261T>C (p.Ile754Thr)

Gene: MSH3 (mutS homolog 3; plus strand). Cytogenetic location: 5q14.1.
Variant type: single nucleotide variant.
Coding change: c.2261T>C on transcript NM_002439.5 (MANE Select); coding-DNA position 2261, T replaced by C.
Protein change: p.Ile754Thr; replaces isoleucine 754 with threonine.
Molecular consequence: missense variant.
Genome position (GRCh38, 1-based): chr5:80,775,701, T>C. VCF-style: chr5-80775701-T-C. GRCh37 (hg19) VCF-style: chr5-80071520-T-C.
Other names: short protein forms I754T.
Identifiers: ClinVar variation 4733592 (VCV004733592.1).